The following is an entry in ClinVar:

NM_000203.5(IDUA):c.911del (p.Val304fs)

Gene: IDUA (alpha-L-iduronidase; plus strand). Cytogenetic location: 4p16.3.
Variant type: Deletion.
Coding change: c.911del on transcript NM_000203.5 (MANE Select); coding-DNA position 911, one base deleted (T; older notation c.911delT).
Protein change: p.Val304fs; shifts the reading frame from valine 304.
Molecular consequence: frameshift variant. On other transcripts: non-coding transcript variant (1).
Genome position (GRCh38, 1-based): chr4:1,002,100, T deleted. VCF-style (leftmost placement, unchanged base first): chr4-1002099-GT-G. GRCh37 (hg19) VCF-style: chr4-995887-GT-G.
Other names: NM_000203.5(IDUA):c.911del; p.Val304fs; c.515del, p.Val172fs (NM_001363576.1); c.911delT (NM_000203.5); short protein forms V172fs, V304fs.
Identifiers: ClinVar variation 1184991 (VCV001184991.7), dbSNP rs2153022229, ClinGen allele CA2573052265.

ClinVar aggregate classification (germline): Pathogenic. Review status: reviewed by expert panel (3 of 4 stars). 3 submissions from 3 submitters: Pathogenic (1). 2 of the submissions do not count toward it. Last evaluated 2025-10-06.

Conditions:
Mucopolysaccharidosis type 1. Also called: IDUA deficiency; MPS I; Mucopolysaccharidosis Type I. Identifiers: Orphanet 579, MedGen C0023786, MONDO:0001586.
Mucopolysaccharidosis, MPS-I-H/S. Also called: Mucopolysaccharidosis type IH/S. Identifiers: Orphanet 93476, MedGen C0086431, MONDO:0011759, OMIM 607015.

Submissions (3):

ClinGen Lysosomal Storage Disorder Variant Curation Expert Panel
Classification: Pathogenic for Mucopolysaccharidosis type 1. Last evaluated: 2025-10-06. Review status: reviewed by expert panel. Criteria: ClinGen LSD ACMG Specifications IDUA V1.1.0. Collection method: curation. Allele origin: germline. Inheritance: Autosomal recessive inheritance.
Comment: The NM_000203.5:c.911del (p.Val304GlyfsTer13) in IDUA is a frameshift variant predicted to cause a premature stop codon in biologically-relevant-exon 7 out of 14, leading to nonsense mediated decay in a gene in which loss-of-function is an established disease mechanism (PVS1). A proband and sibling with the variant and clinical symptoms meeting criteria of the LD VCEP and positive urine test for GAGs have been reported (PMID: 36951468) (PP4). These individuals are compound heterozygous, confirmed in trans by parental testing, for the variant and another variant in IDUA that has been classified as pathogenic for MPS I by the ClinGen LD VCEP, c.2T>C (ClinVar Variation ID: 639529) (PMID: 36951468, 1 point). Another individual, who was identified by newborn screen, with reduced IDUA activity but normal GAGs is compound heterozygous for the variant and c.76G>A (p.Ala26Thr) (Variation ID: 712785, VUS based on classification by the ClinGen LD VCEP) (PMID: 29801497). This variant, c.911del, is absent in gnomAD v4.1.0. (PM2_Supporting). There is a ClinVar entry for the variant (Variation ID: 1184991). In summary, this variant meets the criteria to be classified as pathogenic for MPS I based on the IDUA-specific ACMG/AMP criteria applied, as specified by the ClinGen Lysosomal Diseases Variant Curation Expert Panel (Specifications Version 1.1.0): PVS1, PM3, PP4, PM2_Supporting. (Classification approved by the ClinGen Lysosomal Diseases Variant Curation Expert Panel on October 6, 2025).

Labcorp Genetics (formerly Invitae), Labcorp
Classification: Pathogenic for Mucopolysaccharidosis type 1. Last evaluated: 2021-09-22. Review status: criteria provided, single submitter. Criteria: Invitae Variant Classification Sherloc (09022015). Collection method: clinical testing. Allele origin: germline. Not counted in ClinVar's aggregate classification.
Comment: For these reasons, this variant has been classified as Pathogenic. This premature translational stop signal has been observed in individual(s) with clinical features of IDUA-related conditions (PMID: 29801497). This variant is not present in population databases (ExAC no frequency). This sequence change creates a premature translational stop signal (p.Val304Glyfs*13) in the IDUA gene. It is expected to result in an absent or disrupted protein product. Loss-of-function variants in IDUA are known to be pathogenic (PMID: 11735025, 21480867).

Department of Ophthalmology, Southwest Medical University
Classification: Pathogenic for Mucopolysaccharidosis, MPS-I-H/S. Last evaluated: 2021-05-11. Review status: no assertion criteria provided. Collection method: research. Allele origin: inherited. Inheritance: Autosomal recessive inheritance. Affected: yes. Not counted in ClinVar's aggregate classification.

Literature cited by the submitters: PubMed 29801497 (cited by Labcorp Genetics (formerly Invitae), Labcorp); PubMed 11735025 (cited by Labcorp Genetics (formerly Invitae), Labcorp); PubMed 21480867 (cited by Labcorp Genetics (formerly Invitae), Labcorp).